The following is an entry in ClinVar:

ClinVar aggregate classification (germline): Uncertain significance. Review status: criteria provided, multiple submitters, no conflicts (2 of 4 stars). 2 submissions from 2 submitters: Uncertain significance (2). Last evaluated 2024-04-19.

Conditions:
Tumor predisposition syndrome 3 (TPDS3). Also called: Glioma susceptibility 9; LONG TELOMERE SYNDROME, POT1-RELATED; POT1 Tumor Predisposition; Melanoma, cutaneous malignant, susceptibility to, 10. Identifiers: Orphanet 618, MedGen C4014476, MONDO:0014368, OMIM 615848.
Hereditary cancer-predisposing syndrome. Also called: Neoplastic Syndromes, Hereditary; Hereditary Cancer Syndrome; Hereditary neoplastic syndrome; Tumor predisposition. Identifiers: Orphanet 140162, MedGen C0027672, MeSH D009386, MONDO:0015356.

Allele frequency attached by ClinVar (database versions not stated): gnomAD exomes below 0.00001.
gnomAD v4.1: 1 of 1,604,786 alleles (0.000062%); highest among the groups gnomAD compares: Non-Finnish European, 0.000085%; no homozygotes.

Submissions (2):

Ambry Genetics
Classification: Uncertain significance for Hereditary cancer-predisposing syndrome. Last evaluated: 2024-04-19. Review status: criteria provided, single submitter. Criteria: Ambry Variant Classification Scheme 2023. Collection method: clinical testing. Allele origin: germline.
Comment: The p.I595M variant (also known as c.1785A>G), located in coding exon 14 of the POT1 gene, results from an A to G substitution at nucleotide position 1785. The isoleucine at codon 595 is replaced by methionine, an amino acid with highly similar properties. This amino acid position is not well conserved in available vertebrate species. In addition, this alteration is predicted to be tolerated by in silico analysis. Since supporting evidence is limited at this time, the clinical significance of this alteration remains unclear.

Labcorp Genetics (formerly Invitae), Labcorp
Classification: Uncertain significance for Tumor predisposition syndrome 3. Last evaluated: 2023-11-19. Review status: criteria provided, single submitter. Criteria: Invitae Variant Classification Sherloc (09022015). Collection method: clinical testing. Allele origin: germline.
Comment: This sequence change replaces isoleucine, which is neutral and non-polar, with methionine, which is neutral and non-polar, at codon 595 of the POT1 protein (p.Ile595Met). This variant is not present in population databases (gnomAD no frequency). This variant has not been reported in the literature in individuals affected with POT1-related conditions. ClinVar contains an entry for this variant (Variation ID: 1018612). Advanced modeling of protein sequence and biophysical properties (such as structural, functional, and spatial information, amino acid conservation, physicochemical variation, residue mobility, and thermodynamic stability) performed at Invitae indicates that this missense variant is not expected to disrupt POT1 protein function with a negative predictive value of 80%. In summary, the available evidence is currently insufficient to determine the role of this variant in disease. Therefore, it has been classified as a Variant of Uncertain Significance.

NM_015450.3(POT1):c.1785A>G (p.Ile595Met)

Gene: POT1 (protection of telomeres 1; minus strand). Cytogenetic location: 7q31.33.
Variant type: single nucleotide variant.
Coding change: c.1785A>G on transcript NM_015450.3 (MANE Select); coding-DNA position 1785, A replaced by G.
Protein change: p.Ile595Met; replaces isoleucine 595 with methionine.
Molecular consequence: missense variant. On other transcripts: non-coding transcript variant (3).
Genome position (GRCh38, 1-based): chr7:124,825,259, T>C on the plus strand (A>G on the coding strand, the complement: POT1 is on the minus strand). VCF-style: chr7-124825259-T-C. GRCh37 (hg19) VCF-style: chr7-124465313-T-C.
Other names: c.1392A>G, p.Ile464Met (NM_001042594.2); short protein forms I464M, I595M.
Identifiers: ClinVar variation 1018612 (VCV001018612.12), dbSNP rs1794601418, ClinGen allele CA369062096.